The following is an entry in ClinVar:

NM_000466.3(PEX1):c.3031G>A (p.Val1011Met)

Genes: GATAD1 (GATA zinc finger domain containing 1; plus strand), PEX1 (peroxisomal biogenesis factor 1; minus strand). Cytogenetic location: 7q21.2.
Variant type: single nucleotide variant.
Coding change: c.3031G>A on transcript NM_000466.3 (MANE Select); coding-DNA position 3031, G replaced by A.
Protein change: p.Val1011Met; replaces valine 1011 with methionine.
Molecular consequence: missense variant.
Genome position (GRCh38, 1-based): chr7:92,493,129, C>T on the plus strand (G>A on the coding strand, the complement: PEX1 is on the minus strand). VCF-style: chr7-92493129-C-T. GRCh37 (hg19) VCF-style: chr7-92122443-C-T.
Other names: p.Val1011Met; c.2860G>A, p.Val954Met (NM_001282677.2); c.2407G>A, p.Val803Met (NM_001282678.2); short protein forms V1011M, V954M, V803M.
Identifiers: ClinVar variation 288256 (VCV000288256.28), dbSNP rs141650598, ClinGen allele CA4340911.

ClinVar aggregate classification (germline): Conflicting classifications of pathogenicity. Review status: criteria provided, conflicting classifications (1 of 4 stars). 10 submissions from 10 submitters: Uncertain significance (2); Benign (3); Likely benign (3). 2 of the submissions do not count toward it. Last evaluated 2026-01-27.

Conditions:
Zellweger spectrum disorders (ZS). Also called: Zellweger Spectrum Disorder; Zellweger Spectrum; Zellweger syndrome; Zellweger Spectrum Disorder (ZSD). Identifiers: Orphanet 912, MedGen C0043459, MONDO:0019609.
Peroxisome biogenesis disorder 1A (Zellweger) (PBD1A). Also called: Zellweger leukodystrophy; Peroxisome biogenesis disorder 1a. Identifiers: MedGen C4721541, MONDO:0008953, OMIM 214100.
PEX1-related disorder. Also called: PEX1-related condition.

Allele frequency attached by ClinVar (database versions not stated): gnomAD 0.00028 and 0.00036; TOPMed 0.00034; ExAC 0.00074; ESP Exome Variant Server 0.00092; 1000 Genomes Project 30x 0.00125; 1000 Genomes Project 0.00140.
gnomAD v4.1: 690 of 1,556,554 alleles (0.044%); highest among the groups gnomAD compares: South Asian, 0.29%; 6 homozygotes.

Submissions (10):

Labcorp Genetics (formerly Invitae), Labcorp
Classification: Benign for Zellweger spectrum disorders. Last evaluated: 2026-01-27. Review status: criteria provided, single submitter. Criteria: Invitae Variant Classification Sherloc (09022015). Collection method: clinical testing. Allele origin: germline.

Mayo Clinic Laboratories, Mayo Clinic
Classification: Benign. Last evaluated: 2025-07-09. Review status: criteria provided, single submitter. Criteria: ACMG Guidelines, 2015. Collection method: clinical testing. Allele origin: germline. Observed: 1 variant allele.
Comment: BS1, BS2

Blueprint Genetics
Classification: Likely benign. Last evaluated: 2024-11-22. Review status: criteria provided, single submitter. Criteria: ACMG Guidelines, 2015. Collection method: clinical testing. Allele origin: germline.

Pars Genome Lab
Classification: Likely benign for Peroxisome biogenesis disorder 1A (Zellweger). Last evaluated: 2021-05-18. Review status: criteria provided, single submitter. Criteria: ACMG Guidelines, 2015. Collection method: clinical testing. Allele origin: germline. Affected: no.

Athena Diagnostics
Classification: Benign. Last evaluated: 2019-03-21. Review status: criteria provided, single submitter. Criteria: Athena Diagnostics Criteria. Collection method: clinical testing. Allele origin: germline.

Eurofins Ntd Llc (ga)
Classification: Likely benign. Last evaluated: 2018-02-13. Review status: criteria provided, single submitter. Criteria: EGL ClinVar v180209 classification definitions. Collection method: clinical testing. Allele origin: germline. Observed: 2 variant alleles, 2 heterozygotes.

Illumina Laboratory Services, Illumina
Classification: Uncertain significance for Peroxisome biogenesis disorder 1A (Zellweger). Last evaluated: 2018-01-13. Review status: criteria provided, single submitter. Criteria: ICSL Variant Classification Criteria 13 December 2019. Collection method: clinical testing. Allele origin: germline.

GeneDx
Classification: Uncertain significance. Last evaluated: 2017-05-02. Review status: criteria provided, single submitter. Criteria: GeneDx Variant Classification (06012015). Collection method: clinical testing. Allele origin: germline. Affected: yes.
Comment: The V1011M variant in the PEX1 gene has not been reported previously as a pathogenic variant, nor as a benign variant, to our knowledge. The V1011M variant is observed in 47/16422 (0.29%) alleles from individuals of South Asian background, including 1 homozygous individual, in the ExAC dataset (Lek et al., 2016). The V1011M variant is a conservative amino acid substitution, which is not likely to impact secondary protein structure as these residues share similar properties. This substitution occurs at a position that is not conserved. In silico analysis is inconsistent in its predictions as to whether or not the variant is damaging to the protein structure/function. We interpret V1011M as a variant of uncertain significance.

Natera, Inc.
Classification: Benign for Zellweger syndrome. Last evaluated: 2020-06-01. Review status: no assertion criteria provided. Collection method: clinical testing. Allele origin: germline. Not counted in ClinVar's aggregate classification.

PreventionGenetics, part of Exact Sciences
Classification: Likely benign for PEX1-related condition. Last evaluated: 2019-05-04. Review status: no assertion criteria provided. Collection method: clinical testing. Allele origin: germline. Not counted in ClinVar's aggregate classification.
Comment: This variant is classified as likely benign based on ACMG/AMP sequence variant interpretation guidelines (Richards et al. 2015 PMID: 25741868, with internal and published modifications).

Literature cited by the submitters: PubMed 30755224 (cited by Athena Diagnostics).